The following is an entry in ClinVar:

ClinVar aggregate classification (germline): Conflicting classifications of pathogenicity. Review status: criteria provided, conflicting classifications (1 of 4 stars). 7 submissions from 7 submitters: Pathogenic (1); Likely pathogenic (4); Uncertain significance (2). Last evaluated 2026-04-03.

Conditions:
Methylmalonic aciduria due to complete methylmalonyl-CoA mutase deficiency.
Methylmalonic aciduria due to methylmalonyl-CoA mutase deficiency (MAMM). Also called: Methylmalonic aciduria, mut type. Identifiers: Orphanet 27, MedGen C1855114, MONDO:0009612, OMIM 251000.

Allele frequency attached by ClinVar (database versions not stated): gnomAD 0.00001; gnomAD exomes 0.00001; TOPMed 0.00003.
gnomAD v4.1: 23 of 1,602,362 alleles (0.0014%); highest among the groups gnomAD compares: Admixed American, 0.0017%; no homozygotes.

Submissions (7):

Myriad Genetics, Inc.
Classification: Uncertain significance for Methylmalonic aciduria due to methylmalonyl-CoA mutase deficiency. Last evaluated: 2026-04-03. Review status: criteria provided, single submitter. Criteria: Myriad Autosomal Dominant, Autosomal Recessive and X-Linked Classification Criteria (2023). Collection method: clinical testing. Allele origin: unknown.
Comment: NM_000255.3(MMUT):c.422C>T(A141V) is a missense variant classified as a variant of uncertain significance in the context of methylmalonic acidemia, MMUT-related. A141V has been observed in a case with relevant disease (PMID: 30209273). Relevant functional assessments of this variant are not available in the literature. A141V has been observed in referenced population frequency databases. In summary, there is insufficient evidence to classify NM_000255.3(MMUT):c.422C>T(A141V) as pathogenic or benign. Please note: this variant was assessed in the context of healthy population screening.

Labcorp Genetics (formerly Invitae), Labcorp
Classification: Pathogenic. Last evaluated: 2025-09-09. Review status: criteria provided, single submitter. Criteria: Invitae Variant Classification Sherloc (09022015). Collection method: clinical testing. Allele origin: germline.
Comment: This sequence change replaces alanine, which is neutral and non-polar, with valine, which is neutral and non-polar, at codon 141 of the MUT protein (p.Ala141Val). This variant is present in population databases (rs565348836, gnomAD 0.007%). This missense change has been observed in individual(s) with methylmalonic aciduria (PMID: 30209273). ClinVar contains an entry for this variant (Variation ID: 941328). Invitae Evidence Modeling of protein sequence and biophysical properties (such as structural, functional, and spatial information, amino acid conservation, physicochemical variation, residue mobility, and thermodynamic stability) indicates that this missense variant is expected to disrupt MUT protein function with a positive predictive value of 95%. This variant disrupts the p.Ala141 amino acid residue in MUT. Other variant(s) that disrupt this residue have been determined to be pathogenic (PMID: 26454439, 28101778). This suggests that this residue is clinically significant, and that variants that disrupt this residue are likely to be disease-causing. For these reasons, this variant has been classified as Pathogenic.

Natera, Inc.
Classification: Likely pathogenic for Methylmalonic aciduria due to complete methylmalonyl-CoA mutase deficiency. Last evaluated: 2025-09-02. Review status: criteria provided, single submitter. Criteria: Natera Variant Classification Schema (03/2026). Collection method: clinical testing. Allele origin: germline.
Comment: The c.422C>T variant in MMUT is a missense variant predicted to cause substitution of alanine to valine at amino acid 141. This variant is rare in the general population with a frequency below the threshold expected for the associated phenotype(s). This variant has been observed in one or more individuals affected with the associated recessive disease, as either homozygous or compound heterozygous with a second variant (PMID: 30209273). A different variant at the same position has been determined to be Pathogenic or Likely Pathogenic. Computational prediction algorithms indicate this variant is likely to affect gene or protein function. Given the available evidence, this variant is classified as Likely Pathogenic.

GeneDx
Classification: Likely pathogenic. Last evaluated: 2025-06-18. Review status: criteria provided, single submitter. Criteria: GeneDx Variant Classification Process June 2021. Collection method: clinical testing. Allele origin: germline. Affected: yes.
Comment: Identified with a second MMUT variant, phase unknown, in a patient with methylmalonic aciduria in the published literature (PMID: 30209273); Not observed at significant frequency in large population cohorts (gnomAD); In silico analysis supports that this missense variant has a deleterious effect on protein structure/function; This variant is associated with the following publications: (PMID: 26454439, 28101778, 30209273)

Genomic Medicine Center of Excellence, King Faisal Specialist Hospital and Research Centre
Classification: Likely pathogenic for Methylmalonic aciduria due to methylmalonyl-CoA mutase deficiency. Last evaluated: 2024-03-29. Review status: criteria provided, single submitter. Criteria: ACMG Guidelines, 2015. Collection method: clinical testing. Allele origin: germline.

Department of Pathology and Laboratory Medicine, Sinai Health System
Classification: Likely pathogenic for Methylmalonic aciduria due to methylmalonyl-CoA mutase deficiency. Last evaluated: 2023-02-13. Review status: criteria provided, single submitter. Criteria: ACMG Guidelines, 2015. Collection method: research. Allele origin: germline.

Genome-Nilou Lab
Classification: Uncertain significance for Methylmalonic aciduria due to methylmalonyl-CoA mutase deficiency. Last evaluated: 2021-07-14. Review status: criteria provided, single submitter. Criteria: ACMG Guidelines, 2015. Collection method: clinical testing. Allele origin: germline. Affected: no.

Literature cited by the submitters: PubMed 30209273 (cited by 3 submitters); PubMed 26454439 (cited by Labcorp Genetics (formerly Invitae), Labcorp); PubMed 28101778 (cited by Labcorp Genetics (formerly Invitae), Labcorp).

NM_000255.4(MMUT):c.422C>T (p.Ala141Val)

Gene: MMUT (methylmalonyl-CoA mutase; minus strand). Cytogenetic location: 6p12.3.
Variant type: single nucleotide variant.
Coding change: c.422C>T on transcript NM_000255.4 (MANE Select); coding-DNA position 422, C replaced by T.
Protein change: p.Ala141Val; replaces alanine 141 with valine.
Molecular consequence: missense variant.
Genome position (GRCh38, 1-based): chr6:49,458,022, G>A on the plus strand (C>T on the coding strand, the complement: MMUT is on the minus strand). VCF-style: chr6-49458022-G-A. GRCh37 (hg19) VCF-style: chr6-49425735-G-A.
Other names: short protein forms A141V.
Identifiers: ClinVar variation 941328 (VCV000941328.17), dbSNP rs565348836, ClinGen allele CA3847112.